The following is an entry in ClinVar:

NM_001232.4(CASQ2):c.895C>A (p.Pro299Thr)

Gene: CASQ2 (calsequestrin 2; minus strand). Cytogenetic location: 1p13.1.
Variant type: single nucleotide variant.
Coding change: c.895C>A on transcript NM_001232.4 (MANE Select); coding-DNA position 895, C replaced by A.
Protein change: p.Pro299Thr; replaces proline 299 with threonine.
Molecular consequence: missense variant.
Genome position (GRCh38, 1-based): chr1:115,705,236, G>T on the plus strand (C>A on the coding strand, the complement: CASQ2 is on the minus strand). VCF-style: chr1-115705236-G-T. GRCh37 (hg19) VCF-style: chr1-116247857-G-T.
Other names: short protein forms P299T.
Identifiers: ClinVar variation 3485300 (VCV003485300.1).

ClinVar aggregate classification (germline): Uncertain significance (1 of 4 stars; one submission).

Conditions:
Cardiovascular phenotype. Identifiers: MedGen CN230736.

Submission:

Ambry Genetics
Classification: Uncertain significance for Cardiovascular phenotype. Last evaluated: 2024-12-07. Review status: criteria provided, single submitter. Criteria: Ambry Variant Classification Scheme 2023. Collection method: clinical testing. Allele origin: germline.
Comment: The p.P299T variant (also known as c.895C>A), located in coding exon 9 of the CASQ2 gene, results from a C to A substitution at nucleotide position 895. The proline at codon 299 is replaced by threonine, an amino acid with highly similar properties. This amino acid position is conserved. In addition, this alteration is predicted to be deleterious by in silico analysis. Based on the available evidence, the clinical significance of this variant remains unclear.